The following is an entry in ClinVar:

NM_014639.4(SKIC3):c.4072G>C (p.Asp1358His)

Gene: SKIC3 (SKI3 subunit of superkiller complex; minus strand). Cytogenetic location: 5q15.
Variant type: single nucleotide variant.
Coding change: c.4072G>C on transcript NM_014639.4 (MANE Select); coding-DNA position 4072, G replaced by C.
Protein change: p.Asp1358His; replaces aspartic acid 1358 with histidine.
Molecular consequence: missense variant.
Genome position (GRCh38, 1-based): chr5:95,482,613, C>G on the plus strand (G>C on the coding strand, the complement: SKIC3 is on the minus strand). VCF-style: chr5-95482613-C-G. GRCh37 (hg19) VCF-style: chr5-94818317-C-G.
Other names: short protein forms D1358H.
Identifiers: ClinVar variation 2019042 (VCV002019042.4), dbSNP rs748328767, ClinGen allele CA3346504.
Genomic context (GRCh38, chr5:95,482,613, plus strand): 5'-GTGACTCCAGGAGTGGTTTACACTGAACTTGTCTCAAAAGTAAGATAACGGCTGGCTGAT[C>G]AGGGTTACTTTTTAAATTCTAGAAATCAAATCCCAAAGAGGAACACATCAAATAGGTTCT-3'
Protein context (NP_055454.1, residues 1348-1368): LCTKNLKSNP[Asp1358His]QPAVILLLRQ

ClinVar aggregate classification (germline): Uncertain significance (1 of 4 stars; one submission).

Allele frequency attached by ClinVar (database versions not stated): ExAC 0.00001.

Submission:

Labcorp Genetics (formerly Invitae), Labcorp
Classification: Uncertain significance. Last evaluated: 2022-07-23. Review status: criteria provided, single submitter. Criteria: Invitae Variant Classification Sherloc (09022015). Collection method: clinical testing. Allele origin: germline.
Comment: This variant has not been reported in the literature in individuals affected with TTC37-related conditions. This sequence change replaces aspartic acid, which is acidic and polar, with histidine, which is basic and polar, at codon 1358 of the TTC37 protein (p.Asp1358His). This variant is not present in population databases (gnomAD no frequency). Algorithms developed to predict the effect of missense changes on protein structure and function are either unavailable or do not agree on the potential impact of this missense change (SIFT: "Deleterious"; PolyPhen-2: "Possibly Damaging"; Align-GVGD: "Class C0"). In summary, the available evidence is currently insufficient to determine the role of this variant in disease. Therefore, it has been classified as a Variant of Uncertain Significance.